The following is an entry in ClinVar:

ClinVar aggregate classification (germline): Uncertain significance. Review status: criteria provided, multiple submitters, no conflicts (2 of 4 stars). 2 submissions from 2 submitters: Uncertain significance (2). Last evaluated 2025-06-09.

Conditions:
Malignant hyperthermia, susceptibility to, 5 (MHS5). Also called: CACNA1S-Related Malignant Hyperthermia Susceptibility. Identifiers: Orphanet 423, MedGen C1866077, MONDO:0011163, OMIM 601887.
Hypokalemic periodic paralysis, type 1. Also called: Hypokalemic Periodic Paralysis Type 1 (AD); HypoPP. Identifiers: Orphanet 681, MedGen C3714580, MONDO:0042979, OMIM 170400.

Allele frequency attached by ClinVar (database versions not stated): gnomAD exomes below 0.00001; TOPMed below 0.00001; ESP Exome Variant Server 0.00008.

Submissions (2):

Color Diagnostics, LLC DBA Color Health
Classification: Uncertain significance for Malignant hyperthermia, susceptibility to, 5. Last evaluated: 2025-06-09. Review status: criteria provided, single submitter. Criteria: ACMG Guidelines, 2015. Collection method: clinical testing. Allele origin: germline.
Comment: This missense variant replaces methionine with threonine at codon 1286 of the CACNA1S protein. Computational prediction suggests that this variant may have deleterious impact on protein structure and function. To our knowledge, functional studies have not been reported for this variant. This variant has not been reported in individuals affected with CACNA1S-related disorders in the literature. This variant has been identified in 1/251448 chromosomes in the general population by the Genome Aggregation Database (gnomAD). The available evidence is insufficient to determine the role of this variant in disease conclusively. Therefore, this variant is classified as a Variant of Uncertain Significance.

Labcorp Genetics (formerly Invitae), Labcorp
Classification: Uncertain significance for Hypokalemic periodic paralysis, type 1; Malignant hyperthermia, susceptibility to, 5. Last evaluated: 2023-07-10. Review status: criteria provided, single submitter. Criteria: Invitae Variant Classification Sherloc (09022015). Collection method: clinical testing. Allele origin: germline.
Comment: In summary, the available evidence is currently insufficient to determine the role of this variant in disease. Therefore, it has been classified as a Variant of Uncertain Significance. Advanced modeling of protein sequence and biophysical properties (such as structural, functional, and spatial information, amino acid conservation, physicochemical variation, residue mobility, and thermodynamic stability) performed at Invitae indicates that this missense variant is expected to disrupt CACNA1S protein function. This variant has not been reported in the literature in individuals affected with CACNA1S-related conditions. This variant is present in population databases (rs368079312, gnomAD 0.0009%). This sequence change replaces methionine, which is neutral and non-polar, with threonine, which is neutral and polar, at codon 1286 of the CACNA1S protein (p.Met1286Thr).

NM_000069.3(CACNA1S):c.3857T>C (p.Met1286Thr)

Gene: CACNA1S (calcium voltage-gated channel subunit alpha1 S; minus strand). Cytogenetic location: 1q32.1.
Variant type: single nucleotide variant.
Coding change: c.3857T>C on transcript NM_000069.3 (MANE Select); coding-DNA position 3857, T replaced by C.
Protein change: p.Met1286Thr; replaces methionine 1286 with threonine.
Molecular consequence: missense variant.
Genome position (GRCh38, 1-based): chr1:201,053,213, A>G on the plus strand (T>C on the coding strand, the complement: CACNA1S is on the minus strand). VCF-style: chr1-201053213-A-G. GRCh37 (hg19) VCF-style: chr1-201022341-A-G.
Other names: short protein forms M1286T.
Identifiers: ClinVar variation 2929221 (VCV002929221.4), dbSNP rs368079312, ClinGen allele CA36002534.
Genomic context (GRCh38, chr1:201,053,213, plus strand): 5'-GCCCCCTCTAACTTGGCCAAGATCCATGCTTTGGCCTGGGCCCGCCTGCCTCTCACCTGC[A>G]TGCCGATGACAGCGTAGATGAAGAAGAGCATGACGATGAGCAGAGCCACGTAGGGTAGGG-3'
Protein context (NP_000060.2, residues 1276-1296): MLFFIYAVIG[Met1286Thr]QMFGKIALVD